The following is an entry in ClinVar:

NC_000002.12:g.(?_50465422)_(50623635_?)del

Genes: NRXN1 (neurexin 1; minus strand), LOC110121071 (VISTA enhancer hs1348; plus strand), LOC129388861 (MPRA-validated peak3699 silencer; plus strand). Cytogenetic location: 2p16.3.
Variant type: Deletion.
Identifiers: ClinVar variation 583628 (VCV000583628.3).

ClinVar aggregate classification (germline): Pathogenic (1 of 4 stars; one submission).

Conditions:
Pitt-Hopkins-like syndrome 2 (PTHSL2). Identifiers: Orphanet 221150, Orphanet 600663, MedGen C3280479, MONDO:0013690, OMIM 614325.

Submission:

Labcorp Genetics (formerly Invitae), Labcorp
Classification: Pathogenic for Pitt-Hopkins-like syndrome 2. Last evaluated: 2022-10-23. Review status: criteria provided, single submitter. Criteria: Invitae Variant Classification Sherloc (09022015). Collection method: clinical testing. Allele origin: germline.
Comment: This variant is a gross deletion of the genomic region encompassing exon(s) 7-18 of the NRXN1 gene. This variant would be expected to be in-frame, preserving the integrity of the reading frame. A similar copy number variant has been observed in individual(s) with autism spectrum disorder (PMID: 26325558). Experimental studies and prediction algorithms are not available or were not evaluated, and the functional significance of this variant is currently unknown. The region of the NRXN1 gene that includes exon(s) 17 has been determined to be clinically significant (PMID: 23533028, 25614873). Therefore, deletions that encompass that region are likely to be disease-causing. For these reasons, this variant has been classified as Pathogenic.

Literature cited by the submitters: PubMed 26325558; PubMed 23533028; PubMed 25614873.